The following is an entry in ClinVar:

ClinVar aggregate classification (germline): Pathogenic (1 of 4 stars; one submission).

Conditions:
LAMA2-related muscular dystrophy (LAMA2-RD). Also called: Laminin alpha 2-related dystrophy. Identifiers: MedGen C5679788, MONDO:0100228.

Submission:

Labcorp Genetics (formerly Invitae), Labcorp
Classification: Pathogenic for LAMA2-related muscular dystrophy. Last evaluated: 2023-10-20. Review status: criteria provided, single submitter. Criteria: Invitae Variant Classification Sherloc (09022015). Collection method: clinical testing. Allele origin: germline.
Comment: This sequence change creates a premature translational stop signal (p.Arg222Asnfs*13) in the LAMA2 gene. It is expected to result in an absent or disrupted protein product. Loss-of-function variants in LAMA2 are known to be pathogenic (PMID: 18700894, 32904964). This variant is not present in population databases (gnomAD no frequency). This variant has not been reported in the literature in individuals affected with LAMA2-related conditions. For these reasons, this variant has been classified as Pathogenic.

Literature cited by the submitters: PubMed 18700894; PubMed 32904964.

NM_000426.4(LAMA2):c.664_665insAC (p.Arg222fs)

Gene: LAMA2 (laminin subunit alpha 2; plus strand). Cytogenetic location: 6q22.33.
Variant type: Insertion.
Coding change: c.664_665insAC on transcript NM_000426.4 (MANE Select); coding-DNA positions 664 to 665, AC inserted.
Protein change: p.Arg222fs; shifts the reading frame from arginine 222.
Molecular consequence: frameshift variant.
Genome position: GRCh38 VCF-style: chr6-129143925-A-AAC. GRCh37 (hg19) VCF-style: chr6-129465070-A-AAC.
Other names: c.664_665insAC, p.Arg222fs (NM_001079823.2); short protein forms R222fs.
Identifiers: ClinVar variation 3019711 (VCV003019711.3), dbSNP rs2482584340, ClinGen allele CA2740091479.